The following is an entry in ClinVar:

NM_000545.8(HNF1A):c.1378C>T (p.Gln460Ter)

Gene: HNF1A (HNF1 homeobox A; plus strand). Cytogenetic location: 12q24.31.
Variant type: single nucleotide variant.
Coding change: c.1378C>T on transcript NM_000545.8 (MANE Select); coding-DNA position 1378, C replaced by T.
Protein change: p.Gln460Ter; replaces glutamine 460 with a stop codon.
Molecular consequence: nonsense.
Genome position (GRCh38, 1-based): chr12:120,997,542, C>T. VCF-style: chr12-120997542-C-T. GRCh37 (hg19) VCF-style: chr12-121435345-C-T.
Other names: c.1378C>T, p.Gln460Ter (NM_001306179.2); short protein forms Q460*.
Identifiers: ClinVar variation 523856 (VCV000523856.4), dbSNP rs1555212363, ClinGen allele CA386970117.
Genomic context (GRCh38, chr12:120,997,542, plus strand): 5'-TCCACGCAGGCACAGAGTGTGCCGGTCATCAACAGCATGGGCAGCAGCCTGACCACCCTG[C>T]AGCCCGTCCAGTTCTCCCAGCCGCTGCACCCCTCCTACCAGCAGCCGCTCATGCCACCTG-3'

ClinVar aggregate classification (germline): Pathogenic. Review status: criteria provided, multiple submitters, no conflicts (2 of 4 stars). 3 submissions from 3 submitters: Pathogenic (3). Last evaluated 2024-11-08.

Conditions:
Maturity-onset diabetes of the young (MODY). Also called: Maturity onset diabetes mellitus in young. Identifiers: Orphanet 552, MedGen C0342276, MONDO:0018911, HP:0004904.

Submissions (3):

Athena Diagnostics
Classification: Pathogenic. Last evaluated: 2024-11-08. Review status: criteria provided, single submitter. Criteria: Athena Diagnostics Criteria. Collection method: clinical testing. Allele origin: unknown.
Comment: This variant is expected to result in the loss of a functional protein. This variant has not been reported in large, multi-ethnic general populations. This variant has been identified in at least one individual tested at Athena Diagnostics with clinical features associated with this gene.

GeneDx
Classification: Pathogenic. Last evaluated: 2018-04-03. Review status: criteria provided, single submitter. Criteria: GeneDx Variant Classification (06012015). Collection method: clinical testing. Allele origin: germline. Affected: yes.
Comment: The Q460X variant has not been published as a pathogenic variant, nor has it been reported as a benign variant to our knowledge. The variant is not observed in large population cohorts (Lek et al., 2016). Q460X is predicted to cause loss of normal protein function either through protein truncation or nonsense-mediated mRNA decay. In summary, we consider this variant to be pathogenic.

Clinical Genomics, Uppaluri K&H Personalized Medicine Clinic
Classification: Pathogenic for Maturity-onset diabetes of the young. Review status: criteria provided, single submitter. Criteria: K & H Uppaluri Personalized Medicine Clinic Variant Classification & Assertion Criteria_Updated V.1. Collection method: research. Allele origin: unknown. Inheritance: Autosomal dominant inheritance.
Comment: Mutations in HNF1A gene can predispose to MODY3. It is associated with both micro and macrovascular complications of diabetes, especially cardiovascular complications. Associated with glucosuria. May respond well to sulfonylureas. However, more evidence is required to confer the association of this particular variant rs1555212363 with MODY3.

Literature cited by the submitters: PubMed 30121369 (cited by Athena Diagnostics); PubMed 38336780 (cited by Athena Diagnostics); PubMed 31517624 (cited by Clinical Genomics, Uppaluri K&H Personalized Medicine Clinic); PubMed 32395877 (cited by Clinical Genomics, Uppaluri K&H Personalized Medicine Clinic); PubMed 35328643 (cited by Clinical Genomics, Uppaluri K&H Personalized Medicine Clinic); PubMed 35673428 (cited by Clinical Genomics, Uppaluri K&H Personalized Medicine Clinic).